The following is an entry in ClinVar:

ClinVar aggregate classification (germline): Uncertain significance. Review status: criteria provided, multiple submitters, no conflicts (2 of 4 stars). 3 submissions from 3 submitters: Uncertain significance (3). Last evaluated 2025-08-31.

Conditions:
Neutral lipid storage myopathy (NLSDM). Also called: NEUTRAL LIPID STORAGE DISEASE WITHOUT ICHTHYOSIS. Identifiers: Orphanet 98908, MedGen C1853136, MONDO:0012545, OMIM 610717.
Inborn genetic diseases. Identifiers: MedGen C0950123, MeSH D030342.

Allele frequency attached by ClinVar (database versions not stated): gnomAD exomes 0.00001; gnomAD 0.00003; TOPMed 0.00003.

Submissions (3):

Ambry Genetics
Classification: Uncertain significance for Inborn genetic diseases. Last evaluated: 2025-08-31. Review status: criteria provided, single submitter. Criteria: Ambry Variant Classification Scheme 2023. Collection method: clinical testing. Allele origin: germline.

CeGaT Center for Human Genetics Tuebingen
Classification: Uncertain significance. Last evaluated: 2023-09-01. Review status: criteria provided, single submitter. Criteria: CeGaT Center For Human Genetics Tuebingen Variant Classification Criteria Version 2. Collection method: clinical testing. Allele origin: germline. Affected: yes. Observed: 1 variant allele.
Comment: PNPLA2: PM2

Labcorp Genetics (formerly Invitae), Labcorp
Classification: Uncertain significance for Neutral lipid storage myopathy. Last evaluated: 2021-09-02. Review status: criteria provided, single submitter. Criteria: Invitae Variant Classification Sherloc (09022015). Collection method: clinical testing. Allele origin: germline.
Comment: This sequence change replaces glutamic acid with lysine at codon 125 of the PNPLA2 protein (p.Glu125Lys). The glutamic acid residue is highly conserved and there is a small physicochemical difference between glutamic acid and lysine. This variant is not present in population databases (ExAC no frequency). This variant has not been reported in the literature in individuals affected with PNPLA2-related conditions. Algorithms developed to predict the effect of missense changes on protein structure and function (SIFT, PolyPhen-2, Align-GVGD) all suggest that this variant is likely to be tolerated. In summary, the available evidence is currently insufficient to determine the role of this variant in disease. Therefore, it has been classified as a Variant of Uncertain Significance.

NM_020376.4(PNPLA2):c.373G>A (p.Glu125Lys)

Gene: PNPLA2 (patatin like domain 2, triacylglycerol lipase; plus strand). Cytogenetic location: 11p15.5.
Variant type: single nucleotide variant.
Coding change: c.373G>A on transcript NM_020376.4 (MANE Select); coding-DNA position 373, G replaced by A.
Protein change: p.Glu125Lys; replaces glutamic acid 125 with lysine.
Molecular consequence: missense variant.
Genome position (GRCh38, 1-based): chr11:821,813, G>A. VCF-style: chr11-821813-G-A. GRCh37 (hg19) VCF-style: chr11-821813-G-A.
Other names: short protein forms E125K.
Identifiers: ClinVar variation 954791 (VCV000954791.32), dbSNP rs1036232298, ClinGen allele CA216968573.
Genomic context (GRCh38, chr11:821,813, plus strand): 5'-GATAGCCATGAGCATGCCAGTGGGCGCCTGGGCATCTCCCTGACCCGCGTGTCAGACGGC[G>A]AGAATGTCATTATATCCCACTTCAACTCCAAGGACGAGCTCATCCAGGTGGGGCCTGGTG-3'
Protein context (NP_065109.1, residues 115-135): GISLTRVSDG[Glu125Lys]NVIISHFNSK